The following is an entry in ClinVar:

NM_001079802.2(FKTN):c.*5041G>A

Gene: FKTN (fukutin; plus strand). Cytogenetic location: 9q31.2.
Variant type: single nucleotide variant.
Coding change: c.*5041G>A on transcript NM_001079802.2 (MANE Select); 5041 bases downstream of the stop codon, G replaced by A.
Molecular consequence: 3 prime UTR variant. On other transcripts: non-coding transcript variant (2).
Genome position (GRCh38, 1-based): chr9:105,640,305, G>A. VCF-style: chr9-105640305-G-A. GRCh37 (hg19) VCF-style: chr9-108402586-G-A.
Other names: c.*5041G>A (NM_001351497.2, NM_001351499.2, NM_001351500.2 and 4 more transcripts); c.*5219G>A (NM_001351498.2); c.*182G>A (NM_001198963.2).
Identifiers: ClinVar variation 364524 (VCV000364524.7), dbSNP rs1854124, ClinGen allele CA10632009.

ClinVar aggregate classification (germline): Benign/Likely benign. Review status: criteria provided, multiple submitters, no conflicts (2 of 4 stars). 4 submissions from 3 submitters: Benign (2); Likely benign (2). Last evaluated 2018-06-14.

Conditions:
Dilated cardiomyopathy 1X (CMD1X). Also called: FKTN-Related Dilated Cardiomyopathy; CARDIOMYOPATHY, DILATED, WITH MILD OR NO PROXIMAL MUSCLE WEAKNESS. Identifiers: Orphanet 154, MedGen C1969024, MONDO:0012704, OMIM 611615.
Muscular dystrophy-dystroglycanopathy (congenital with brain and eye anomalies), type A, 4 (MDDGA4). Also called: WALKER-WARBURG SYNDROME OR MUSCLE-EYE-BRAIN DISEASE, FKTN-RELATED; Walker-Warburg Syndrome, Fktn-Related; Congenital muscular dystrophy-dystroglycanopathy with brain and eye anomalies, type A4; Muscular dystrophy, congenital progressive, with mental retardation; Muscular dystrophy, congenital, with central nervous system involvement; Cerebromuscular dystrophy, Fukuyama type. Identifiers: Orphanet 272, Orphanet 588, Orphanet 899, MedGen C0410174, MONDO:0009678, OMIM 253800.

Allele frequency attached by ClinVar (database versions not stated): gnomAD exomes 0.06695; 1000 Genomes Project 0.10923; gnomAD 0.11215 and 0.11478; 1000 Genomes Project 30x 0.11321; TOPMed 0.11647.
gnomAD v4.1: 57,439 of 750,186 alleles (7.7%); highest among the groups gnomAD compares: African/African-American, 23%; 3,171 homozygotes.

Submissions (4):

GeneDx
Classification: Benign. Last evaluated: 2018-06-14. Review status: criteria provided, single submitter. Criteria: GeneDx Variant Classification Process June 2021. Collection method: clinical testing. Allele origin: germline. Affected: yes.

Illumina Laboratory Services, Illumina
Classification: Benign for Muscular dystrophy-dystroglycanopathy (congenital with brain and eye anomalies), type A, 4. Last evaluated: 2018-01-13. Review status: criteria provided, single submitter. Criteria: ICSL Variant Classification Criteria 13 December 2019. Collection method: clinical testing. Allele origin: germline.
Comment: This variant was observed in the ICSL laboratory as part of a predisposition screen in an ostensibly healthy population. It had not been previously curated by ICSL or reported in the Human Gene Mutation Database (HGMD: prior to June 1st, 2018), and was therefore a candidate for classification through an automated scoring system. Utilizing variant allele frequency, disease prevalence and penetrance estimates, and inheritance mode, an automated score was calculated to assess if this variant is too frequent to cause the disease. Based on the score and internal cut-off values, a variant classified as benign is not then subjected to further curation. The score for this variant resulted in a classification of benign for this disease.

Illumina Laboratory Services, Illumina
Classification: Likely benign for Dilated cardiomyopathy 1X. Last evaluated: 2018-01-13. Review status: criteria provided, single submitter. Criteria: ICSL Variant Classification Criteria 13 December 2019. Collection method: clinical testing. Allele origin: germline.
Comment: This variant was observed in the ICSL laboratory as part of a predisposition screen in an ostensibly healthy population. It had not been previously curated by ICSL or reported in the Human Gene Mutation Database (HGMD: prior to June 1st, 2018), and was therefore a candidate for classification through an automated scoring system. Utilizing variant allele frequency, disease prevalence and penetrance estimates, and inheritance mode, an automated score was calculated to assess if this variant is too frequent to cause the disease. Based on the score and internal cut-off values, a variant classified as likely benign is not then subjected to further curation. The score for this variant resulted in a classification of likely benign for this disease.

Breakthrough Genomics
Classification: Likely benign. Review status: criteria provided, single submitter. Criteria: ACMG Guidelines, 2015. Collection method: not provided. Allele origin: germline. Inheritance: Autosomal recessive inheritance. Affected: yes.